The following is an entry in ClinVar:

ClinVar aggregate classification (germline): Uncertain significance (1 of 4 stars; one submission).

Conditions:
Congenital hypothalamic hamartoma syndrome. Also called: PALLISTER-HALL-LIKE SYNDROME. Identifiers: MedGen C5435677, MONDO:0009436, OMIM 241800.

Submission:

Clinical Genomics Laboratory, Washington University in St. Louis
Classification: Uncertain significance for Congenital hypothalamic hamartoma syndrome. Last evaluated: 2025-05-14. Review status: criteria provided, single submitter. Criteria: ACMG Guidelines, 2015. Collection method: clinical testing. Allele origin: germline.
Comment: An SMO c.1835C>G (p.Ala612Gly) variant was identified at a near heterozygous allelic fraction of 49.1%, a frequency which may be consistent with it being of germline origin. This variant, to our knowledge, has not been reported in the medical literature. This variant is only observed in 2/1,613,456 alleles in the general population (gnomAD v4.1.0), indicating it is not a common variant. Computational predictors suggest that the variant does not impact SMO function. Due to limited information, and based on ACMG/AMP guidelines for variant interpretation (Richards S et al., PMID: 25741868), the clinical significance of the SMO c.1835C>G (p.Ala612Gly) variant is uncertain at this time.

NM_005631.5(SMO):c.1835C>G (p.Ala612Gly)

Gene: SMO (smoothened, frizzled class receptor; plus strand). Cytogenetic location: 7q32.1.
Variant type: single nucleotide variant.
Coding change: c.1835C>G on transcript NM_005631.5 (MANE Select); coding-DNA position 1835, C replaced by G.
Protein change: p.Ala612Gly; replaces alanine 612 with glycine.
Molecular consequence: missense variant.
Genome position (GRCh38, 1-based): chr7:129,211,669, C>G. VCF-style: chr7-129211669-C-G. GRCh37 (hg19) VCF-style: chr7-128851510-C-G.
Other names: short protein forms A612G.
Identifiers: ClinVar variation 4279761 (VCV004279761.1).
Genomic context (GRCh38, chr7:129,211,669, plus strand): 5'-CTCCTTTCCTTCCTTCCATTCCCACAGCGGGCTTGGCCTTTGACCTCAATGAGCCCTCAG[C>G]TGATGTCTCCTCTGCCTGGGCCCAGCATGTCACCAAGATGGTGGCTCGGAGAGGAGCCAT-3'
Protein context (NP_005622.1, residues 602-622): GLAFDLNEPS[Ala612Gly]DVSSAWAQHV